The following is an entry in ClinVar:

ClinVar aggregate classification (germline): Pathogenic. Review status: criteria provided, multiple submitters, no conflicts (2 of 4 stars). 2 submissions from 2 submitters: Pathogenic (2). Last evaluated 2025-06-13.

Conditions:
Hereditary cancer-predisposing syndrome. Also called: Neoplastic Syndromes, Hereditary; Hereditary Cancer Syndrome; Tumor predisposition; Hereditary neoplastic syndrome. Identifiers: Orphanet 140162, MedGen C0027672, MeSH D009386, MONDO:0015356.
Familial cancer of breast. Also called: hereditary breast carcinoma; BREAST CANCER, FAMILIAL; Hereditary breast cancer. Identifiers: Orphanet 227535, MedGen C0346153, MONDO:0016419, OMIM 114480. Disease mechanism: loss of function.

Submissions (2):

Ambry Genetics
Classification: Pathogenic for Hereditary cancer-predisposing syndrome. Last evaluated: 2025-06-13. Review status: criteria provided, single submitter. Criteria: Ambry Variant Classification Scheme 2023. Collection method: clinical testing. Allele origin: germline.
Comment: The c.803_804delTC pathogenic mutation, located in coding exon 6 of the CHEK2 gene, results from a deletion of two nucleotides at nucleotide positions 803 to 804, causing a translational frameshift with a predicted alternate stop codon (p.L268Qfs*3). This variant is considered to be rare based on population cohorts in the Genome Aggregation Database (gnomAD). This alteration is expected to result in loss of function by premature protein truncation or nonsense-mediated mRNA decay. As such, this alteration is interpreted as a disease-causing mutation.

Labcorp Genetics (formerly Invitae), Labcorp
Classification: Pathogenic for Familial cancer of breast. Last evaluated: 2024-04-10. Review status: criteria provided, single submitter. Criteria: Invitae Variant Classification Sherloc (09022015). Collection method: clinical testing. Allele origin: germline.
Comment: This sequence change creates a premature translational stop signal (p.Leu268Glnfs*3) in the CHEK2 gene. It is expected to result in an absent or disrupted protein product. Loss-of-function variants in CHEK2 are known to be pathogenic (PMID: 21876083, 24713400). This variant is not present in population databases (gnomAD no frequency). This variant has not been reported in the literature in individuals affected with CHEK2-related conditions. ClinVar contains an entry for this variant (Variation ID: 943350). For these reasons, this variant has been classified as Pathogenic.

Literature cited by the submitters: PubMed 21876083 (cited by Labcorp Genetics (formerly Invitae), Labcorp); PubMed 24713400 (cited by Labcorp Genetics (formerly Invitae), Labcorp).

NM_007194.4(CHEK2):c.803_804del (p.Leu268fs)

Gene: CHEK2 (checkpoint kinase 2; minus strand). Cytogenetic location: 22q12.1.
Variant type: Microsatellite.
Coding change: c.803_804del on transcript NM_007194.4 (MANE Select); coding-DNA positions 803 to 804, 2 bases deleted (TC; older notation c.803_804delTC).
Protein change: p.Leu268fs; shifts the reading frame from leucine 268.
Molecular consequence: frameshift variant.
Genome position (GRCh38, 1-based): chr22:28,710,048-28,710,049, GA deleted on the plus strand (TC on the coding strand, the reverse complement: CHEK2 is on the minus strand); deleting any 2 consecutive bases within chr22:28,710,048-28,710,052 gives the same sequence; the c. name uses the placement nearest the transcript's 3' end. VCF-style (leftmost placement, unchanged base first): chr22-28710047-TGA-T. GRCh37 (hg19) VCF-style: chr22-29106035-TGA-T.
Other names: c.803_804delTC (NM_007194.3); c.929_930CT[1], p.Leu311Glnfs (NM_001005735.3); c.137_138CT[1], p.Leu47Glnfs (NM_001257387.3); c.599_600CT[1], p.Leu201Glnfs (NM_001349956.3); c.800_801CT[1], p.Leu268Glnfs (NM_145862.3); short protein forms L201fs, L268fs, L311fs, L47fs.
Identifiers: ClinVar variation 943350 (VCV000943350.9), dbSNP rs2053336290, ClinGen allele CA2400245180.